The following is an entry in ClinVar:

ClinVar aggregate classification (germline): Benign/Likely benign. Review status: criteria provided, multiple submitters, no conflicts (2 of 4 stars). 4 submissions from 4 submitters: Benign (2); Likely benign (1). 1 of the submissions does not count toward it. Last evaluated 2023-04-16.

Conditions:
POLQ-related disorder. Also called: POLQ-related condition.

Allele frequency attached by ClinVar (database versions not stated): 1000 Genomes Project 30x 0.00687; 1000 Genomes Project 0.00719; gnomAD 0.00818 and 0.00888; TOPMed 0.00850; ESP Exome Variant Server 0.00884.
gnomAD v4.1: 2,513 of 1,613,840 alleles (0.16%); highest among the groups gnomAD compares: African/African-American, 3%; 38 homozygotes.

Submissions (4):

Department of Pathology and Laboratory Medicine, Sinai Health System
Classification: Likely benign for POLQ-related disorder. Last evaluated: 2023-04-16. Review status: criteria provided, single submitter. Criteria: ACMG Guidelines, 2015. Collection method: research. Allele origin: germline.

Labcorp Genetics (formerly Invitae), Labcorp
Classification: Benign. Last evaluated: 2019-12-31. Review status: criteria provided, single submitter. Criteria: Invitae Variant Classification Sherloc (09022015). Collection method: clinical testing. Allele origin: germline.

Breakthrough Genomics
Classification: Benign. Review status: criteria provided, single submitter. Criteria: ACMG Guidelines, 2015. Collection method: not provided. Allele origin: germline. Inheritance: Unknown mechanism. Affected: yes.

PreventionGenetics, part of Exact Sciences
Classification: Benign for POLQ-related condition. Last evaluated: 2019-05-02. Review status: no assertion criteria provided. Collection method: clinical testing. Allele origin: germline. Not counted in ClinVar's aggregate classification.
Comment: This variant is classified as benign based on ACMG/AMP sequence variant interpretation guidelines (Richards et al. 2015 PMID: 25741868, with internal and published modifications).

NM_199420.4(POLQ):c.5251G>T (p.Gly1751Trp)

Gene: POLQ (DNA polymerase theta; minus strand). Cytogenetic location: 3q13.33.
Variant type: single nucleotide variant.
Coding change: c.5251G>T on transcript NM_199420.4 (MANE Select); coding-DNA position 5251, G replaced by T.
Protein change: p.Gly1751Trp; replaces glycine 1751 with tryptophan.
Molecular consequence: missense variant.
Genome position (GRCh38, 1-based): chr3:121,487,680, C>A on the plus strand (G>T on the coding strand, the complement: POLQ is on the minus strand). VCF-style: chr3-121487680-C-A. GRCh37 (hg19) VCF-style: chr3-121206527-C-A.
Other names: short protein forms G1751W.
Identifiers: ClinVar variation 780881 (VCV000780881.8), dbSNP rs35775179, ClinGen allele CA2562756.